The following is an entry in ClinVar:

ClinVar aggregate classification (germline): Uncertain significance (1 of 4 stars; one submission).

Conditions:
Inborn genetic diseases. Identifiers: MedGen C0950123, MeSH D030342.

gnomAD v4.1: 2 of 1,614,066 alleles (0.00012%); highest among the groups gnomAD compares: African/African-American, 0.0013%; no homozygotes.

Submission:

Ambry Genetics
Classification: Uncertain significance for Inborn genetic diseases. Last evaluated: 2025-03-08. Review status: criteria provided, single submitter. Criteria: Ambry Variant Classification Scheme 2023. Collection method: clinical testing. Allele origin: germline.
Comment: The p.S1808Y variant (also known as c.5423C>A), located in coding exon 21 of the FANCM gene, results from a C to A substitution at nucleotide position 5423. The serine at codon 1808 is replaced by tyrosine, an amino acid with dissimilar properties. This amino acid position is conserved. In addition, this alteration is predicted to be tolerated by in silico analysis. Based on the available evidence, the clinical significance of this variant remains unclear.

NM_020937.4(FANCM):c.5423C>A (p.Ser1808Tyr)

Gene: FANCM (FA complementation group M; plus strand). Cytogenetic location: 14q21.2.
Variant type: single nucleotide variant.
Coding change: c.5423C>A on transcript NM_020937.4 (MANE Select); coding-DNA position 5423, C replaced by A.
Protein change: p.Ser1808Tyr; replaces serine 1808 with tyrosine.
Molecular consequence: missense variant.
Genome position (GRCh38, 1-based): chr14:45,196,254, C>A. VCF-style: chr14-45196254-C-A. GRCh37 (hg19) VCF-style: chr14-45665457-C-A.
Other names: c.5345C>A, p.Ser1782Tyr (NM_001308133.2); short protein forms S1782Y, S1808Y.
Identifiers: ClinVar variation 3848800 (VCV003848800.1).